The following is an entry in ClinVar:

ClinVar aggregate classification (germline): Uncertain significance. Review status: criteria provided, multiple submitters, no conflicts (2 of 4 stars). 2 submissions from 2 submitters: Uncertain significance (2). Last evaluated 2025-01-13.

Conditions:
Inborn genetic diseases. Identifiers: MedGen C0950123, MeSH D030342.

Allele frequency attached by ClinVar (database versions not stated): ExAC 0.00002; gnomAD 0.00002 and 0.00003; gnomAD exomes 0.00003 and 0.00008; TOPMed 0.00003.
gnomAD v4.1: 39 of 1,610,802 alleles (0.0024%); highest among the groups gnomAD compares: Admixed American, 0.05%; no homozygotes.

Submissions (2):

Labcorp Genetics (formerly Invitae), Labcorp
Classification: Uncertain significance. Last evaluated: 2025-01-13. Review status: criteria provided, single submitter. Criteria: Invitae Variant Classification Sherloc (09022015). Collection method: clinical testing. Allele origin: germline.
Comment: This sequence change replaces arginine, which is basic and polar, with cysteine, which is neutral and slightly polar, at codon 563 of the CHUK protein (p.Arg563Cys). This variant is present in population databases (rs755945163, gnomAD 0.06%). This variant has not been reported in the literature in individuals affected with CHUK-related conditions. ClinVar contains an entry for this variant (Variation ID: 1426666). An algorithm developed to predict the effect of missense changes on protein structure and function (PolyPhen-2) suggests that this variant is likely to be disruptive. In summary, the available evidence is currently insufficient to determine the role of this variant in disease. Therefore, it has been classified as a Variant of Uncertain Significance.

Ambry Genetics
Classification: Uncertain significance for Inborn genetic diseases. Last evaluated: 2021-09-17. Review status: criteria provided, single submitter. Criteria: Ambry Variant Classification Scheme 2023. Collection method: clinical testing. Allele origin: germline.

NM_001278.5(CHUK):c.1687C>T (p.Arg563Cys)

Gene: CHUK (component of inhibitor of nuclear factor kappa B kinase complex; minus strand). Cytogenetic location: 10q24.31.
Variant type: single nucleotide variant.
Coding change: c.1687C>T on transcript NM_001278.5 (MANE Select); coding-DNA position 1687, C replaced by T.
Protein change: p.Arg563Cys; replaces arginine 563 with cysteine.
Molecular consequence: missense variant.
Genome position (GRCh38, 1-based): chr10:100,200,013, G>A on the plus strand (C>T on the coding strand, the complement: CHUK is on the minus strand). VCF-style: chr10-100200013-G-A. GRCh37 (hg19) VCF-style: chr10-101959770-G-A.
Other names: c.1687C>T, p.Arg563Cys (NM_001320928.2); c.1687C>T (NM_001278.3); short protein forms R563C.
Identifiers: ClinVar variation 1426666 (VCV001426666.5), dbSNP rs755945163, ClinGen allele CA5646365.